The following is an entry in ClinVar:

NM_001128840.3(CACNA1D):c.2181C>G (p.Ile727Met)

Gene: CACNA1D (calcium voltage-gated channel subunit alpha1 D; plus strand). Cytogenetic location: 3p21.1.
Variant type: single nucleotide variant.
Coding change: c.2181C>G on transcript NM_001128840.3 (MANE Select); coding-DNA position 2181, C replaced by G.
Protein change: p.Ile727Met; replaces isoleucine 727 with methionine.
Molecular consequence: missense variant.
Genome position (GRCh38, 1-based): chr3:53,726,959, C>G. VCF-style: chr3-53726959-C-G. GRCh37 (hg19) VCF-style: chr3-53760986-C-G.
Other names: c.2241C>G, p.Ile747Met (NM_000720.4); c.2181C>G, p.Ile727Met (NM_001128839.3); short protein forms I727M, I747M.
Identifiers: ClinVar variation 1463561 (VCV001463561.8), dbSNP rs267599902, ClinGen allele CA353239087.
Genomic context (GRCh38, chr3:53,726,959, plus strand): 5'-GAATGCTGTGATGTACGATGGCATCATGGCTTACGGGGGCCCATCCTCTTCAGGAATGAT[C>G]GTCTGCATCTACTTCATCATCCTCTTCATTTGTGGTAACTGTATCCTTCAAGCCGACCAG-3'
Protein context (NP_001122312.1, residues 717-737): AYGGPSSSGM[Ile727Met]VCIYFIILFI

ClinVar aggregate classification (germline): Uncertain significance (1 of 4 stars; one submission).

gnomAD v4.1: 1 of 1,614,082 alleles (0.000062%); highest among the groups gnomAD compares: African/African-American, 0.0013%; no homozygotes.

Submission:

Labcorp Genetics (formerly Invitae), Labcorp
Classification: Uncertain significance. Last evaluated: 2025-05-27. Review status: criteria provided, single submitter. Criteria: Invitae Variant Classification Sherloc (09022015). Collection method: clinical testing. Allele origin: germline.
Comment: This sequence change replaces isoleucine, which is neutral and non-polar, with methionine, which is neutral and non-polar, at codon 747 of the CACNA1D protein (p.Ile747Met). This variant is not present in population databases (gnomAD no frequency). This variant has not been reported in the literature in individuals affected with CACNA1D-related conditions. ClinVar contains an entry for this variant (Variation ID: 1463561). Invitae Evidence Modeling of protein sequence and biophysical properties (such as structural, functional, and spatial information, amino acid conservation, physicochemical variation, residue mobility, and thermodynamic stability) indicates that this missense variant is not expected to disrupt CACNA1D protein function with a negative predictive value of 80%. In summary, the available evidence is currently insufficient to determine the role of this variant in disease. Therefore, it has been classified as a Variant of Uncertain Significance.